The following is an entry in ClinVar:

NM_004629.2(FANCG):c.1793G>A (p.Ser598Asn)

Gene: FANCG (FA complementation group G; minus strand). Cytogenetic location: 9p13.3.
Variant type: single nucleotide variant.
Coding change: c.1793G>A on transcript NM_004629.2 (MANE Select); coding-DNA position 1793, G replaced by A.
Protein change: p.Ser598Asn; replaces serine 598 with asparagine.
Molecular consequence: missense variant.
Genome position (GRCh38, 1-based): chr9:35,074,184, C>T on the plus strand (G>A on the coding strand, the complement: FANCG is on the minus strand). VCF-style: chr9-35074184-C-T. GRCh37 (hg19) VCF-style: chr9-35074181-C-T.
Other names: short protein forms S598N.
Identifiers: ClinVar variation 1957254 (VCV001957254.5), dbSNP rs1316940742, ClinGen allele CA373299711.

ClinVar aggregate classification (germline): Uncertain significance (1 of 4 stars; one submission).

Conditions:
Fanconi anemia (FA). Also called: Fanconi's anemia. Identifiers: Orphanet 84, MedGen C0015625, MeSH D005199, MONDO:0019391.

Allele frequency attached by ClinVar (database versions not stated): gnomAD exomes below 0.00001; gnomAD 0.00001; TOPMed 0.00001.
gnomAD v4.1: 5 of 1,614,076 alleles (0.00031%); highest among the groups gnomAD compares: Non-Finnish European, 0.00042%; no homozygotes.

Submission:

Labcorp Genetics (formerly Invitae), Labcorp
Classification: Uncertain significance for Fanconi anemia. Last evaluated: 2022-03-16. Review status: criteria provided, single submitter. Criteria: Invitae Variant Classification Sherloc (09022015). Collection method: clinical testing. Allele origin: germline.
Comment: In summary, the available evidence is currently insufficient to determine the role of this variant in disease. Therefore, it has been classified as a Variant of Uncertain Significance. Algorithms developed to predict the effect of missense changes on protein structure and function output the following: SIFT: "Tolerated"; PolyPhen-2: "Benign"; Align-GVGD: "Class C0". The asparagine amino acid residue is found in multiple mammalian species, which suggests that this missense change does not adversely affect protein function. This variant has not been reported in the literature in individuals affected with FANCG-related conditions. This variant is present in population databases (no rsID available, gnomAD 0.0009%). This sequence change replaces serine, which is neutral and polar, with asparagine, which is neutral and polar, at codon 598 of the FANCG protein (p.Ser598Asn).